The following is an entry in ClinVar:

ClinVar aggregate classification (germline): Uncertain significance (1 of 4 stars; one submission).

Submission:

GeneDx
Classification: Uncertain significance. Last evaluated: 2022-04-05. Review status: criteria provided, single submitter. Criteria: GeneDx Variant Classification Process June 2021. Collection method: clinical testing. Allele origin: germline. Affected: yes.
Comment: Not observed at significant frequency in large population cohorts (gnomAD); In silico analysis supports that this missense variant has a deleterious effect on protein structure/function; Has not been previously published as pathogenic or benign to our knowledge

NM_001372044.2(SHANK3):c.4563G>C (p.Gln1521His)

Gene: SHANK3 (SH3 and multiple ankyrin repeat domains 3; plus strand). Cytogenetic location: 22q13.33.
Variant type: single nucleotide variant.
Coding change: c.4563G>C on transcript NM_001372044.2 (MANE Select); coding-DNA position 4563, G replaced by C.
Protein change: p.Gln1521His; replaces glutamine 1521 with histidine.
Molecular consequence: missense variant.
Genome position (GRCh38, 1-based): chr22:50,722,171, G>C. VCF-style: chr22-50722171-G-C. GRCh37 (hg19) VCF-style: chr22-51160599-G-C.
Other names: c.4338G>C (NM_033517.1); short protein forms Q1521H.
Identifiers: ClinVar variation 1676400 (VCV001676400.2), dbSNP rs2146833382, ClinGen allele CA515264650.